The following is an entry in ClinVar:

NM_014908.4(DOLK):c.367C>T (p.Leu123Phe)

Gene: DOLK (dolichol kinase; minus strand). Cytogenetic location: 9q34.11.
Variant type: single nucleotide variant.
Coding change: c.367C>T on transcript NM_014908.4 (MANE Select); coding-DNA position 367, C replaced by T.
Protein change: p.Leu123Phe; replaces leucine 123 with phenylalanine.
Molecular consequence: missense variant.
Genome position (GRCh38, 1-based): chr9:128,946,937, G>A on the plus strand (C>T on the coding strand, the complement: DOLK is on the minus strand). VCF-style: chr9-128946937-G-A. GRCh37 (hg19) VCF-style: chr9-131709216-G-A.
Other names: short protein forms L123F.
Identifiers: ClinVar variation 1906003 (VCV001906003.5), dbSNP rs2492005263, ClinGen allele CA375126228.

ClinVar aggregate classification (germline): Uncertain significance (1 of 4 stars; one submission).

Conditions:
DK1-congenital disorder of glycosylation. Also called: CONGENITAL DISORDER OF GLYCOSYLATION, TYPE Im; CDG Im; DK1 DEFICIENCY; DOLICHOL KINASE DEFICIENCY; DOLK-congenital disorder of glycosylation; Carbohydrate deficient glycoprotein syndrome type 1m. Identifiers: Orphanet 91131, MedGen C1835849, MONDO:0012556, OMIM 610768.

Submission:

Labcorp Genetics (formerly Invitae), Labcorp
Classification: Uncertain significance for DK1-congenital disorder of glycosylation. Last evaluated: 2022-05-12. Review status: criteria provided, single submitter. Criteria: Invitae Variant Classification Sherloc (09022015). Collection method: clinical testing. Allele origin: germline.
Comment: In summary, the available evidence is currently insufficient to determine the role of this variant in disease. Therefore, it has been classified as a Variant of Uncertain Significance. Algorithms developed to predict the effect of missense changes on protein structure and function are either unavailable or do not agree on the potential impact of this missense change (SIFT: "Tolerated"; PolyPhen-2: "Possibly Damaging"; Align-GVGD: "Class C0"). This variant has not been reported in the literature in individuals affected with DOLK-related conditions. This variant is not present in population databases (gnomAD no frequency). This sequence change replaces leucine, which is neutral and non-polar, with phenylalanine, which is neutral and non-polar, at codon 123 of the DOLK protein (p.Leu123Phe).